The following is an entry in ClinVar:

ClinVar aggregate classification (germline): Pathogenic (1 of 4 stars; one submission).

Conditions:
Hereditary cancer-predisposing syndrome. Also called: Neoplastic Syndromes, Hereditary; Tumor predisposition; Hereditary neoplastic syndrome; Hereditary Cancer Syndrome. Identifiers: Orphanet 140162, MedGen C0027672, MeSH D009386, MONDO:0015356.

Submission:

Ambry Genetics
Classification: Pathogenic for Hereditary cancer-predisposing syndrome. Last evaluated: 2026-06-23. Review status: criteria provided, single submitter. Criteria: Ambry Variant Classification Scheme 2023. Collection method: clinical testing. Allele origin: germline.
Comment: The c.915dupT pathogenic mutation, located in coding exon 10 of the BAP1 gene, results from a duplication of T at nucleotide position 915, causing a translational frameshift with a predicted alternate stop codon (p.E306*). This variant is considered to be rare based on population cohorts in the Genome Aggregation Database (gnomAD). This alteration is expected to result in loss of function by premature protein truncation or nonsense-mediated mRNA decay. As such, this alteration is interpreted as a disease-causing mutation.

NM_004656.4(BAP1):c.915dup (p.Glu306Ter)

Gene: BAP1 (BRCA1 associated deubiquitinase 1; minus strand). Cytogenetic location: 3p21.1.
Variant type: Duplication.
Coding change: c.915dup on transcript NM_004656.4 (MANE Select); coding-DNA position 915, one base duplicated (T; older notation c.915dupT).
Protein change: p.Glu306Ter; replaces glutamic acid 306 with a stop codon.
Molecular consequence: nonsense. On other transcripts: frameshift variant (1).
Genome position (GRCh38, 1-based): chr3:52,405,781, A duplicated on the plus strand (T on the coding strand, the reverse complement: BAP1 is on the minus strand). VCF-style (leftmost placement, unchanged base first): chr3-52405780-C-CA. GRCh37 (hg19) VCF-style: chr3-52439796-C-CA.
Other names: c.861dup, p.Glu288Ter (NM_001410772.1); c.915dupT (NM_004656.2); short protein forms E306*, E288*.
Identifiers: ClinVar variation 5032710 (VCV005032710.1).